The following is an entry in ClinVar:

NM_178554.6(KY):c.656G>A (p.Arg219Gln)

Genes: CEP63 (centrosomal protein 63; plus strand), KY (kyphoscoliosis peptidase; minus strand). Cytogenetic location: 3q22.2.
Variant type: single nucleotide variant.
Coding change: c.656G>A on transcript NM_178554.6 (MANE Select); coding-DNA position 656, G replaced by A.
Protein change: p.Arg219Gln; replaces arginine 219 with glutamine.
Molecular consequence: missense variant.
Genome position (GRCh38, 1-based): chr3:134,619,202, C>T on the plus strand (G>A on the coding strand, the complement: KY is on the minus strand). VCF-style: chr3-134619202-C-T. GRCh37 (hg19) VCF-style: chr3-134338044-C-T.
Other names: c.608G>A, p.Arg203Gln (NM_001350859.2); c.530G>A, p.Arg177Gln (NM_001350860.2); c.593G>A, p.Arg198Gln (NM_001366276.1); c.656G>A, p.Arg219Gln (NM_001366277.2); short protein forms R177Q, R198Q, R203Q, R219Q.
Identifiers: ClinVar variation 1723663 (VCV001723663.4), dbSNP rs775215301, ClinGen allele CA2629212.

ClinVar aggregate classification (germline): Conflicting classifications of pathogenicity. Review status: criteria provided, conflicting classifications (1 of 4 stars). 2 submissions from 2 submitters: Uncertain significance (1); Likely benign (1). Last evaluated 2023-03-17.

Conditions:
Inborn genetic diseases. Identifiers: MedGen C0950123, MeSH D030342.

Allele frequency attached by ClinVar (database versions not stated): gnomAD exomes 0.00001; ExAC 0.00003; TOPMed 0.00003; gnomAD 0.00004.
gnomAD v4.1: 21 of 1,613,770 alleles (0.0013%); highest among the groups gnomAD compares: East Asian, 0.016%; no homozygotes.

Submissions (2):

Ambry Genetics
Classification: Likely benign for Inborn genetic diseases. Last evaluated: 2023-03-17. Review status: criteria provided, single submitter. Criteria: Ambry Variant Classification Scheme 2023. Collection method: clinical testing. Allele origin: germline.

GeneDx
Classification: Uncertain significance. Last evaluated: 2022-05-10. Review status: criteria provided, single submitter. Criteria: GeneDx Variant Classification Process June 2021. Collection method: clinical testing. Allele origin: germline. Affected: yes.
Comment: In silico analysis supports that this missense variant does not alter protein structure/function; Has not been previously published as pathogenic or benign to our knowledge